The following is an entry in ClinVar:

ClinVar aggregate classification (germline): Benign. Review status: criteria provided, multiple submitters, no conflicts (2 of 4 stars). 2 submissions from 2 submitters: Benign (2). Last evaluated 2018-06-14.

Allele frequency attached by ClinVar (database versions not stated): gnomAD 0.03318 and 0.03575; 1000 Genomes Project 0.03415; 1000 Genomes Project 30x 0.03560; TOPMed 0.03857.
gnomAD v4.1: 7,737 of 769,106 alleles (1%); highest among the groups gnomAD compares: African/African-American, 11%; 356 homozygotes.

Submissions (2):

GeneDx
Classification: Benign. Last evaluated: 2018-06-14. Review status: criteria provided, single submitter. Criteria: GeneDx Variant Classification (06012015). Collection method: clinical testing. Allele origin: germline. Affected: yes.
Comment: This variant is considered likely benign or benign based on one or more of the following criteria: it is a conservative change, it occurs at a poorly conserved position in the protein, it is predicted to be benign by multiple in silico algorithms, and/or has population frequency not consistent with disease.

Breakthrough Genomics
Classification: Benign. Review status: criteria provided, single submitter. Criteria: ACMG Guidelines, 2015. Collection method: not provided. Allele origin: germline. Inheritance: Autosomal recessive inheritance. Affected: yes.

NM_014141.6(CNTNAP2):c.939+142C>A

Gene: CNTNAP2 (contactin associated protein 2; plus strand). Cytogenetic location: 7q35.
Variant type: single nucleotide variant.
Coding change: c.939+142C>A on transcript NM_014141.6 (MANE Select); 142 bases into the intron after coding-DNA position 939, C replaced by A.
Molecular consequence: intron variant.
Genome position (GRCh38, 1-based): chr7:147,121,305, C>A. VCF-style: chr7-147121305-C-A. GRCh37 (hg19) VCF-style: chr7-146818397-C-A.
Identifiers: ClinVar variation 677336 (VCV000677336.2), dbSNP rs111679612, ClinGen allele CA168689493.
Genomic context (GRCh38, chr7:147,121,305, plus strand): 5'-TATTACTACTTACACCTTTTTTATTTTCTTCTCTAAACAAGACACTGACAATTTTAAAAA[C>A]CTGATTAATTCGTTTCATTTTATTTCTAAATTTATAATCATGAGTACTTGAACTATTATA-3'